The following is an entry in ClinVar:

ClinVar aggregate classification (germline): Uncertain significance (1 of 4 stars; one submission).

Submission:

GeneDx
Classification: Uncertain significance. Last evaluated: 2022-12-21. Review status: criteria provided, single submitter. Criteria: GeneDx Variant Classification Process June 2021. Collection method: clinical testing. Allele origin: germline. Affected: yes.
Comment: Not observed at significant frequency in large population cohorts (gnomAD); In silico analysis supports that this missense variant has a deleterious effect on protein structure/function; Has not been previously published as pathogenic or benign to our knowledge

NM_000138.5(FBN1):c.6094A>G (p.Thr2032Ala)

Gene: FBN1 (fibrillin 1; minus strand). Cytogenetic location: 15q21.1.
Variant type: single nucleotide variant.
Coding change: c.6094A>G on transcript NM_000138.5 (MANE Select); coding-DNA position 6094, A replaced by G.
Protein change: p.Thr2032Ala; replaces threonine 2032 with alanine.
Molecular consequence: missense variant.
Genome position (GRCh38, 1-based): chr15:48,441,790, T>C on the plus strand (A>G on the coding strand, the complement: FBN1 is on the minus strand). VCF-style: chr15-48441790-T-C. GRCh37 (hg19) VCF-style: chr15-48733987-T-C.
Other names: c.6094A>G, p.Thr2032Ala (NM_001406716.1); short protein forms T2032A.
Identifiers: ClinVar variation 2506792 (VCV002506792.1), dbSNP rs764638219, ClinGen allele CA392338340.